The following is an entry in ClinVar:

NM_001999.4(FBN2):c.8167C>T (p.Pro2723Ser)

Gene: FBN2 (fibrillin 2; minus strand). Cytogenetic location: 5q23.3.
Variant type: single nucleotide variant.
Coding change: c.8167C>T on transcript NM_001999.4 (MANE Select); coding-DNA position 8167, C replaced by T.
Protein change: p.Pro2723Ser; replaces proline 2723 with serine.
Molecular consequence: missense variant.
Genome position (GRCh38, 1-based): chr5:128,263,450, G>A on the plus strand (C>T on the coding strand, the complement: FBN2 is on the minus strand). VCF-style: chr5-128263450-G-A. GRCh37 (hg19) VCF-style: chr5-127599142-G-A.
Other names: short protein forms P2723S.
Identifiers: ClinVar variation 3359730 (VCV003359730.1).

ClinVar aggregate classification (germline): Uncertain significance (1 of 4 stars; one submission).

gnomAD v4.1: 8 of 1,613,800 alleles (0.0005%); highest among the groups gnomAD compares: African/African-American, 0.0067%; no homozygotes.

Submission:

GeneDx
Classification: Uncertain significance. Last evaluated: 2023-06-09. Review status: criteria provided, single submitter. Criteria: GeneDx Variant Classification Process June 2021. Collection method: clinical testing. Allele origin: germline. Affected: yes.
Comment: Not observed at significant frequency in large population cohorts (gnomAD); Although located in a calcium-binding EGF-like domain of the FBN2 gene, it does not substitute or introduce a cysteine residue (Callewaert et al., 2009; Frederic et al., 2009); In silico analysis supports that this missense variant has a deleterious effect on protein structure/function; Has not been previously published as pathogenic or benign to our knowledge; This variant is associated with the following publications: (PMID: 19006240, 18767143)